The following is an entry in ClinVar:

ClinVar aggregate classification (germline): Pathogenic/Likely pathogenic. Review status: criteria provided, multiple submitters, no conflicts (2 of 4 stars). 7 submissions from 7 submitters: Pathogenic (5); Likely pathogenic (2). Last evaluated 2026-04-20.

Conditions:
Retinitis pigmentosa (RP). Identifiers: Orphanet 791, MedGen C0035334, MeSH D012174, MONDO:0019200, OMIM 268000. Inheritance: Autosomal dominant, autosomal recessive and X linked inheritance.
Retinitis pigmentosa 25 (RP25). Identifiers: Orphanet 791, MedGen C1864446, MONDO:0011272, OMIM 602772.
EYS-related disorder. Also called: EYS-related condition.

Submissions (7):

Myriad Genetics, Inc.
Classification: Pathogenic for Retinitis pigmentosa 25. Last evaluated: 2026-04-20. Review status: criteria provided, single submitter. Criteria: Myriad Autosomal Dominant, Autosomal Recessive and X-Linked Classification Criteria (2023). Collection method: clinical testing. Allele origin: unknown.
Comment: NM_001142800.1(EYS):c.9376_9379delCTAA(I3127Nfs*2) is a frameshift variant classified as pathogenic in the context of retinitis pigmentosa, EYS-related. I3127Nfs*2 has been observed in cases with relevant disease (PMID: 37734845, 30804660, 34689181). Relevant functional assessments of this variant are not available in the literature. I3127Nfs*2 has been observed in referenced population frequency databases. In summary, NM_001142800.1(EYS):c.9376_9379delCTAA(I3127Nfs*2) is a frameshift variant in a gene where loss of function is a known mechanism of disease and is predicted to disrupt protein function. Please note: this variant was assessed in the context of healthy population screening.

Labcorp Genetics (formerly Invitae), Labcorp
Classification: Pathogenic. Last evaluated: 2025-10-27. Review status: criteria provided, single submitter. Criteria: Invitae Variant Classification Sherloc (09022015). Collection method: clinical testing. Allele origin: germline.
Comment: This sequence change creates a premature translational stop signal (p.Ile3127Asnfs*2) in the EYS gene. While this is not anticipated to result in nonsense mediated decay, it is expected to disrupt the last 18 amino acid(s) of the EYS protein. This variant is present in population databases (no rsID available, gnomAD 0.02%). This variant has not been reported in the literature in individuals affected with EYS-related conditions. ClinVar contains an entry for this variant (Variation ID: 849255). This variant disrupts a region of the EYS protein in which other variant(s) (p.Tyr3135*) have been determined to be pathogenic (PMID: 18976725, 30337596). This suggests that this is a clinically significant region of the protein, and that variants that disrupt it are likely to be disease-causing. For these reasons, this variant has been classified as Pathogenic.

Natera, Inc.
Classification: Likely pathogenic for Retinitis pigmentosa type 25. Last evaluated: 2025-04-14. Review status: criteria provided, single submitter. Criteria: Natera Variant Classification Schema (03/2026). Collection method: clinical testing. Allele origin: germline.
Comment: The c.9376_9379delCTAA variant in EYS is a frameshift variant predicted to shift the reading frame beginning at codon 3127 and leads to a stop codon 2 codons downstream. This variant is expected to result in nonsense mediated decay, truncation, or a dysfunctional protein product. This variant is rare in the general population with a frequency below the threshold expected for the associated phenotype(s). Given the available evidence, this variant is classified as Likely Pathogenic.

Baylor Genetics
Classification: Likely pathogenic for Retinitis pigmentosa 25. Last evaluated: 2024-03-26. Review status: criteria provided, single submitter. Criteria: ACMG Guidelines, 2015. Collection method: clinical testing. Allele origin: unknown.

Women's Health and Genetics/Laboratory Corporation of America, LabCorp
Classification: Pathogenic for Retinitis pigmentosa. Last evaluated: 2023-08-30. Review status: criteria provided, single submitter. Criteria: LabCorp Variant Classification Summary - May 2015. Collection method: clinical testing. Allele origin: germline.
Comment: Variant summary: EYS c.9376_9379delCTAA (p.Ile3127AsnfsX2) results in a premature termination codon, predicted to cause a truncation of the encoded protein and this is not anticipated to result in nonsense mediated decay. Variants downstream of this position have been classified as pathogenic in ClinVar (Variant ID: 865915, 1455537). The variant allele was found at a frequency of 1.4e-05 in 142886 control chromosomes (gnomAD). c.9376_9379delCTAA has been reported in the literature in multiple compound heterozygous and homozygous individuals affected with Retinitis Pigmentosa (Xiao_2019, Gao_2019, Gao_2021). These data indicate that the variant is very likely to be associated with disease. To our knowledge, no experimental evidence demonstrating an impact on protein function has been reported. The following publications have been ascertained in the context of this evaluation (PMID: 34689181, 31054281, 30804660). Two submitters have cited clinical-significance assessments for this variant to ClinVar after 2014. All submitters classified the variant as pathogenic. Based on the evidence outlined above, the variant was classified as pathogenic.

Mendelics
Classification: Pathogenic for Retinitis pigmentosa 25. Last evaluated: 2022-05-04. Review status: criteria provided, single submitter. Criteria: Mendelics Assertion Criteria 2019. Collection method: clinical testing. Allele origin: germline.

Blueprint Genetics
Classification: Pathogenic for EYS-related disorders. Last evaluated: 2022-04-07. Review status: criteria provided, single submitter. Criteria: ACMG Guidelines, 2015. Collection method: clinical testing. Allele origin: germline. Affected: yes. Observed: 3 variant alleles.

Literature cited by the submitters: PubMed 30804660 (cited by Myriad Genetics, Inc. and Women's Health and Genetics/Laboratory Corporation of America, LabCorp); PubMed 34689181 (cited by Myriad Genetics, Inc. and Women's Health and Genetics/Laboratory Corporation of America, LabCorp); PubMed 37734845 (cited by Myriad Genetics, Inc.); PubMed 18976725 (cited by Labcorp Genetics (formerly Invitae), Labcorp); PubMed 30337596 (cited by Labcorp Genetics (formerly Invitae), Labcorp); PubMed 31054281 (cited by Women's Health and Genetics/Laboratory Corporation of America, LabCorp).

NM_001142800.2(EYS):c.9376_9379del (p.Ile3127fs)

Genes: EYS (EGF-like photoreceptor maintenance factor; minus strand), PHF3 (PHD finger protein 3; plus strand). Cytogenetic location: 6q12.
Variant type: Deletion.
Coding change: c.9376_9379del on transcript NM_001142800.2 (MANE Select); coding-DNA positions 9376 to 9379, 4 bases deleted (CTAA; older notation c.9376_9379delCTAA).
Protein change: p.Ile3127fs; shifts the reading frame from isoleucine 3127.
Molecular consequence: frameshift variant. On other transcripts: 3 prime UTR variant (5).
Genome position (GRCh38, 1-based): chr6:63,720,652-63,720,655, TTAG deleted on the plus strand (CTAA on the coding strand, the reverse complement: EYS is on the minus strand); deleting any 4 consecutive bases within chr6:63,720,652-63,720,657 gives the same sequence; the c. name uses the placement nearest the transcript's 3' end. VCF-style (leftmost placement, unchanged base first): chr6-63720651-ATTAG-A. GRCh37 (hg19) VCF-style: chr6-64430547-ATTAG-A.
Other names: c.9376_9379delCTAA (NM_001142800.1); c.*6946_*6949del (NM_001290259.2, NM_001370348.2, NM_001370349.2 and 2 more transcripts); c.9439_9442del, p.Ile3148fs (NM_001292009.2); short protein forms I3127fs, I3148fs.
Identifiers: ClinVar variation 849255 (VCV000849255.14), dbSNP rs1166245419, ClinGen allele CA568118937.
Genomic context (GRCh38, chr6:63,720,651, plus strand): 5'-TTAACTTATGTAACCTCATTTTGTTCATCTCCATCATAAACATTGTATCCTTCTAATTTA[ATTAG>A]TTCAATGTTTTTTGGTTCCTGAAAAAATACAACATCTTTAATTTTGCCAACAAAATTGGT-3'